The following is an entry in ClinVar:

NM_001164508.2(NEB):c.4265_4266del (p.Glu1422fs)

Gene: NEB (nebulin; minus strand). Cytogenetic location: 2q23.3.
Variant type: Deletion.
Coding change: c.4265_4266del on transcript NM_001164508.2 (MANE Select); coding-DNA positions 4265 to 4266, 2 bases deleted (AG; older notation c.4265_4266delAG).
Protein change: p.Glu1422fs; shifts the reading frame from glutamic acid 1422.
Molecular consequence: frameshift variant.
Genome position (GRCh38, 1-based): chr2:151,672,402-151,672,403, CT deleted on the plus strand (AG on the coding strand, the reverse complement: NEB is on the minus strand); deleting any 2 consecutive bases within chr2:151,672,402-151,672,404 gives the same sequence; the c. name uses the placement nearest the transcript's 3' end. VCF-style (leftmost placement, unchanged base first): chr2-151672401-GCT-G. GRCh37 (hg19) VCF-style: chr2-152528915-GCT-G.
Other names: c.4265_4266del, p.Glu1422fs (NM_001164507.2, NM_001271208.2, NM_004543.5); short protein forms E1422fs.
Identifiers: ClinVar variation 1726619 (VCV001726619.2), dbSNP rs2552260579, ClinGen allele CA2580064070.

ClinVar aggregate classification (germline): Likely pathogenic (1 of 4 stars; one submission).

Conditions:
Nemaline myopathy 2 (NEM2). Also called: Nemaline myopathy 2, autosomal recessive. Identifiers: MedGen C1850569, MONDO:0009725, OMIM 256030.

Submission:

Myriad Genetics, Inc.
Classification: Likely pathogenic for Nemaline myopathy 2. Last evaluated: 2021-12-28. Review status: criteria provided, single submitter. Criteria: Myriad Women's Health Autosomal Recessive and X-Linked Classification Criteria (2021). Collection method: clinical testing. Allele origin: unknown.
Comment: NM_001271208.1(NEB):c.4265_4266delAG(E1422Afs*11) is expected to be pathogenic in the context of NEB-related nemaline myopathy. This variant is predicted to lead to an abnormal or absent protein product due to the creation of a premature termination codon in NEB, a gene where loss-of-function variants are known to be pathogenic. Please note: this variant was assessed in the context of healthy population screening.